The following is an entry in ClinVar:

ClinVar aggregate classification (germline): Uncertain significance (1 of 4 stars; one submission).

Allele frequency attached by ClinVar (database versions not stated): gnomAD exomes 0.00001.
gnomAD v4.1: 12 of 1,593,976 alleles (0.00075%); highest among the groups gnomAD compares: Admixed American, 0.0017%; no homozygotes.

Submission:

Labcorp Genetics (formerly Invitae), Labcorp
Classification: Uncertain significance. Last evaluated: 2023-06-28. Review status: criteria provided, single submitter. Criteria: Invitae Variant Classification Sherloc (09022015). Collection method: clinical testing. Allele origin: germline.
Comment: In summary, the available evidence is currently insufficient to determine the role of this variant in disease. Therefore, it has been classified as a Variant of Uncertain Significance. Advanced modeling of protein sequence and biophysical properties (such as structural, functional, and spatial information, amino acid conservation, physicochemical variation, residue mobility, and thermodynamic stability) performed at Invitae indicates that this missense variant is not expected to disrupt FRAS1 protein function. This variant has not been reported in the literature in individuals affected with FRAS1-related conditions. This variant is not present in population databases (gnomAD no frequency). This sequence change replaces arginine, which is basic and polar, with histidine, which is basic and polar, at codon 3850 of the FRAS1 protein (p.Arg3850His).

NM_025074.7(FRAS1):c.11549G>A (p.Arg3850His)

Gene: FRAS1 (Fraser extracellular matrix complex subunit 1; plus strand). Cytogenetic location: 4q21.21.
Variant type: single nucleotide variant.
Coding change: c.11549G>A on transcript NM_025074.7 (MANE Select); coding-DNA position 11549, G replaced by A.
Protein change: p.Arg3850His; replaces arginine 3850 with histidine.
Molecular consequence: missense variant.
Genome position (GRCh38, 1-based): chr4:78,540,634, G>A. VCF-style: chr4-78540634-G-A. GRCh37 (hg19) VCF-style: chr4-79461788-G-A.
Other names: short protein forms R3850H.
Identifiers: ClinVar variation 2969821 (VCV002969821.3), dbSNP rs1722019569, ClinGen allele CA357383563.